The following is an entry in ClinVar:

ClinVar aggregate classification (germline): Likely pathogenic. Review status: criteria provided, multiple submitters, no conflicts (2 of 4 stars). 2 submissions from 2 submitters: Likely pathogenic (2). Last evaluated 2025-10-13.

Conditions:
Holoprosencephaly 2 (HPE2). Identifiers: Orphanet 2162, MedGen C1834877, MONDO:0007999, OMIM 157170.

Submissions (2):

Labcorp Genetics (formerly Invitae), Labcorp
Classification: Likely pathogenic. Last evaluated: 2025-10-13. Review status: criteria provided, single submitter. Criteria: Invitae Variant Classification Sherloc (09022015). Collection method: clinical testing. Allele origin: germline.
Comment: This sequence change replaces serine, which is neutral and polar, with phenylalanine, which is neutral and non-polar, at codon 2181 of the NSD1 protein (p.Ser2181Phe). This variant is not present in population databases (gnomAD no frequency). This missense change has been observed in individuals with clinical features of Sotos syndrome (PMID: 34008892; internal data). ClinVar contains an entry for this variant (Variation ID: 1299646). Invitae Evidence Modeling of protein sequence and biophysical properties (such as structural, functional, and spatial information, amino acid conservation, physicochemical variation, residue mobility, and thermodynamic stability) indicates that this missense variant is expected to disrupt NSD1 protein function with a positive predictive value of 95%. In summary, the currently available evidence indicates that the variant is pathogenic, but additional data are needed to prove that conclusively. Therefore, this variant has been classified as Likely Pathogenic.

Laboratory of Medical Genetics, National & Kapodistrian University of Athens
Classification: Likely pathogenic for Holoprosencephaly 2. Last evaluated: 2021-10-01. Review status: criteria provided, single submitter. Criteria: ACMG Guidelines, 2015. Collection method: clinical testing. Allele origin: unknown. Affected: yes.
Comment: PM1, PM2, PM6, PP3, PP4

Literature cited by the submitters: PubMed 34008892 (cited by Labcorp Genetics (formerly Invitae), Labcorp and Laboratory of Medical Genetics, National & Kapodistrian University of Athens).

NM_022455.5(NSD1):c.6542C>T (p.Ser2181Phe)

Gene: NSD1 (nuclear receptor binding SET domain protein 1; plus strand). Cytogenetic location: 5q35.3.
Variant type: single nucleotide variant.
Coding change: c.6542C>T on transcript NM_022455.5 (MANE Select); coding-DNA position 6542, C replaced by T.
Protein change: p.Ser2181Phe; replaces serine 2181 with phenylalanine.
Molecular consequence: missense variant.
Genome position (GRCh38, 1-based): chr5:177,293,910, C>T. VCF-style: chr5-177293910-C-T. GRCh37 (hg19) VCF-style: chr5-176720911-C-T.
Other names: c.5669C>T, p.Ser1890Phe (NM_001365684.2, NM_001409308.1, NM_172349.5); c.6542C>T, p.Ser2181Phe (NM_001409301.1, NM_001409302.1, NM_001409303.1); c.6122C>T, p.Ser2041Phe (NM_001409304.1); c.5789C>T, p.Ser1930Phe (NM_001409305.1); c.5780C>T, p.Ser1927Phe (NM_001409306.1, NM_001409307.1); c.5420C>T, p.Ser1807Phe (NM_001409309.1); short protein forms S1912F, S2181F, S1890F, S1807F, S1927F, S1930F, S2041F.
Identifiers: ClinVar variation 1299646 (VCV001299646.3), dbSNP rs2127279367, ClinGen allele CA362323846.